The following is an entry in ClinVar:

ClinVar aggregate classification (germline): Benign (1 of 4 stars; one submission).

Conditions:
Leigh syndrome (NULS). Also called: Leigh's necrotizing encephalopathy; Leigh's disease; Leigh Syndrome (mtDNA deletion); Leigh Disease; Subacute necrotizing encephalopathy; Necrotizing encephalopathy infantile subacute of Leigh. Identifiers: Orphanet 506, MedGen C2931891, MONDO:0009723, OMIM 256000.

Submission:

Wong Mito Lab, Molecular and Human Genetics, Baylor College of Medicine
Classification: Benign for Leigh syndrome. Last evaluated: 2019-10-17. Review status: criteria provided, single submitter. Criteria: Modified ACMG Guidelines (Unpublished). Collection method: clinical testing. Allele origin: germline.
Comment: The NC_012920.1:m.11447G>A (YP_003024035.1:p.Val230Met) variant in MTND4 gene is interpretated to be a Benign variant based on the modified ACMG guidelines (unpublished). This variant meets the following evidence codes: BS1, BS2, BP4

NC_012920.1(MT-ND4):m.11447G>A

Gene: MT-ND4 (mitochondrially encoded NADH dehydrogenase 4; plus strand).
Variant type: single nucleotide variant.
Genome position: chrM-11447-G-A.
Identifiers: ClinVar variation 693366 (VCV000693366.1), dbSNP rs2853492, ClinGen allele CA337099186.